The following is an entry in ClinVar:

NM_004186.5(SEMA3F):c.2204C>T (p.Ala735Val)

Gene: SEMA3F (semaphorin 3F; plus strand). Cytogenetic location: 3p21.31.
Variant type: single nucleotide variant.
Coding change: c.2204C>T on transcript NM_004186.5 (MANE Select); coding-DNA position 2204, C replaced by T.
Protein change: p.Ala735Val; replaces alanine 735 with valine.
Molecular consequence: missense variant.
Genome position (GRCh38, 1-based): chr3:50,187,961, C>T. VCF-style: chr3-50187961-C-T. GRCh37 (hg19) VCF-style: chr3-50225394-C-T.
Other names: c.1907C>T, p.Ala636Val (NM_001318798.2); c.2111C>T, p.Ala704Val (NM_001318800.2); short protein forms A636V, A735V, A704V.
Identifiers: ClinVar variation 4998649 (VCV004998649.1).

ClinVar aggregate classification (germline): Uncertain significance (1 of 4 stars; one submission).

Conditions:
SEMA3F-related disorder. Also called: SEMA3F-related condition.

gnomAD v4.1: 3 of 1,608,956 alleles (0.00019%); highest among the groups gnomAD compares: African/African-American, 0.0013%; no homozygotes.

Submission:

PreventionGenetics, part of Exact Sciences
Classification: Uncertain significance for SEMA3F-related condition. Last evaluated: 2025-01-25. Review status: criteria provided, single submitter. Criteria: ACMG Guidelines, 2015. Collection method: clinical testing. Allele origin: germline.
Comment: The SEMA3F c.2204C>T variant is predicted to result in the amino acid substitution p.Ala735Val. To our knowledge, this variant has not been reported in the literature. This variant is reported in 0.0045% of alleles in individuals of African descent in gnomAD. At this time, the clinical significance of this variant is uncertain due to the absence of conclusive functional and genetic evidence.